The following is an entry in ClinVar:

ClinVar aggregate classification (germline): Pathogenic (1 of 4 stars; one submission).

Submission:

Labcorp Genetics (formerly Invitae), Labcorp
Classification: Pathogenic. Last evaluated: 2024-04-15. Review status: criteria provided, single submitter. Criteria: Invitae Variant Classification Sherloc (09022015). Collection method: clinical testing. Allele origin: germline.
Comment: This sequence change creates a premature translational stop signal (p.Tyr685Ilefs*18) in the RP1 gene. While this is not anticipated to result in nonsense mediated decay, it is expected to disrupt the last 1472 amino acid(s) of the RP1 protein. This variant is not present in population databases (gnomAD no frequency). This variant has not been reported in the literature in individuals affected with RP1-related conditions. ClinVar contains an entry for this variant (Variation ID: 2027162). This variant disrupts the C-terminus of the RP1 protein. Many variants that disrupt this region have been reported in individuals with either autosomal dominant or autosomal recessive retinitis pigmentosa (PMID: 11527933, 19933189, 29425069, 30027431, 33681214). Therefore, variants that disrupt this region are expected to be disease-causing. For these reasons, this variant has been classified as Pathogenic.

Literature cited by the submitters: PubMed 11527933; PubMed 19933189; PubMed 29425069; PubMed 30027431; PubMed 33681214.

NM_006269.2(RP1):c.2053del (p.Tyr685fs)

Gene: RP1 (RP1 axonemal microtubule associated; plus strand). Cytogenetic location: 8q12.1.
Variant type: Deletion.
Coding change: c.2053del on transcript NM_006269.2 (MANE Select); coding-DNA position 2053, one base deleted (T; older notation c.2053delT).
Protein change: p.Tyr685fs; shifts the reading frame from tyrosine 685.
Molecular consequence: frameshift variant. On other transcripts: intron variant (1).
Genome position (GRCh38, 1-based): chr8:54,625,935, T deleted. VCF-style (leftmost placement, unchanged base first): chr8-54625934-GT-G. GRCh37 (hg19) VCF-style: chr8-55538494-GT-G.
Other names: c.787+3647del (NM_001375654.1); short protein forms Y685fs.
Identifiers: ClinVar variation 2027162 (VCV002027162.4), dbSNP rs2536573032, ClinGen allele CA2580078491.